The following is an entry in ClinVar:

NM_178857.6(RP1L1):c.6689C>T (p.Thr2230Ile)

Gene: RP1L1 (RP1 like 1). Cytogenetic location: 8p23.1.
Variant type: single nucleotide variant.
Coding change: c.6689C>T on transcript NM_178857.6 (MANE Select); coding-DNA position 6689, C replaced by T.
Protein change: p.Thr2230Ile; replaces threonine 2230 with isoleucine.
Molecular consequence: missense variant.
Genome position (GRCh38, 1-based): chr8:10,607,409, G>A on the plus strand (C>T on the coding strand, the complement: RP1L1 is on the minus strand). VCF-style: chr8-10607409-G-A. GRCh37 (hg19) VCF-style: chr8-10464919-G-A.
Other names: short protein forms T2230I.
Identifiers: ClinVar variation 912155 (VCV000912155.6), dbSNP rs573617450, ClinGen allele CA4623204.

ClinVar aggregate classification (germline): Conflicting classifications of pathogenicity. Review status: criteria provided, conflicting classifications (1 of 4 stars). 3 submissions from 3 submitters: Uncertain significance (1); Benign (1); Likely benign (1). Last evaluated 2024-12-12.

Conditions:
Occult macular dystrophy (OCMD). Also called: OCCULT MACULAR DYSTROPHY, SUSCEPTIBILITY TO; OMD. Identifiers: Orphanet 247834, MedGen C3150833, MONDO:0013316, OMIM 613587, HP:0030636.
Inborn genetic diseases. Identifiers: MedGen C0950123, MeSH D030342.

Allele frequency attached by ClinVar (database versions not stated): gnomAD 0.00002 and 0.00012; TOPMed 0.00005; 1000 Genomes Project 0.00020; 1000 Genomes Project 30x 0.00031; gnomAD exomes 0.00063; ExAC 0.00077.
gnomAD v4.1: 561 of 1,593,662 alleles (0.035%); highest among the groups gnomAD compares: South Asian, 0.49%; 10 homozygotes.

Submissions (3):

Ambry Genetics
Classification: Uncertain significance for Inborn genetic diseases. Last evaluated: 2024-12-12. Review status: criteria provided, single submitter. Criteria: Ambry Variant Classification Scheme 2023. Collection method: clinical testing. Allele origin: germline.

Blueprint Genetics
Classification: Likely benign. Last evaluated: 2024-11-18. Review status: criteria provided, single submitter. Criteria: ACMG Guidelines, 2015. Collection method: clinical testing. Allele origin: germline.

Illumina Laboratory Services, Illumina
Classification: Benign for Occult macular dystrophy. Last evaluated: 2018-01-12. Review status: criteria provided, single submitter. Criteria: ICSL Variant Classification Criteria 13 December 2019. Collection method: clinical testing. Allele origin: germline.
Comment: This variant was observed in the ICSL laboratory as part of a predisposition screen in an ostensibly healthy population. It had not been previously curated by ICSL or reported in the Human Gene Mutation Database (HGMD: prior to June 1st, 2018), and was therefore a candidate for classification through an automated scoring system. Utilizing variant allele frequency, disease prevalence and penetrance estimates, and inheritance mode, an automated score was calculated to assess if this variant is too frequent to cause the disease. Based on the score and internal cut-off values, a variant classified as benign is not then subjected to further curation. The score for this variant resulted in a classification of benign for this disease.